The following is an entry in ClinVar:

NM_144643.4(SCLT1):c.836A>C (p.Gln279Pro)

Gene: SCLT1 (sodium channel and clathrin linker 1; minus strand). Cytogenetic location: 4q28.2.
Variant type: single nucleotide variant.
Coding change: c.836A>C on transcript NM_144643.4 (MANE Select); coding-DNA position 836, A replaced by C.
Protein change: p.Gln279Pro; replaces glutamine 279 with proline.
Molecular consequence: missense variant.
Genome position (GRCh38, 1-based): chr4:128,965,260, T>G on the plus strand (A>C on the coding strand, the complement: SCLT1 is on the minus strand). VCF-style: chr4-128965260-T-G. GRCh37 (hg19) VCF-style: chr4-129886415-T-G.
Other names: c.836A>C, p.Gln279Pro (NM_001410807.1); short protein forms Q279P.
Identifiers: ClinVar variation 2060335 (VCV002060335.5), dbSNP rs2530497906, ClinGen allele CA358189064.
Genomic context (GRCh38, chr4:128,965,260, plus strand): 5'-CAAAGCTAGGTGCATTTAACAATTTACCTTATTTCTAATTGTTTTATACTAGACTGTAAC[T>G]GCTGTAAACGCCTATCTGATGCTTCCTCTCTTCCATGGGCAGACACCACATCCTTCTCCT-3'
Protein context (NP_653244.2, residues 269-289): REEASDRRLQ[Gln279Pro]LQSSIKQLEI

ClinVar aggregate classification (germline): Uncertain significance. Review status: criteria provided, multiple submitters, no conflicts (2 of 4 stars). 2 submissions from 2 submitters: Uncertain significance (2). Last evaluated 2023-10-19.

Submissions (2):

Blueprint Genetics
Classification: Uncertain significance. Last evaluated: 2023-10-19. Review status: criteria provided, single submitter. Criteria: ACMG Guidelines, 2015. Collection method: clinical testing. Allele origin: germline.

Labcorp Genetics (formerly Invitae), Labcorp
Classification: Uncertain significance. Last evaluated: 2021-12-25. Review status: criteria provided, single submitter. Criteria: Invitae Variant Classification Sherloc (09022015). Collection method: clinical testing. Allele origin: germline.
Comment: In summary, the available evidence is currently insufficient to determine the role of this variant in disease. Therefore, it has been classified as a Variant of Uncertain Significance. Algorithms developed to predict the effect of missense changes on protein structure and function (SIFT, PolyPhen-2, Align-GVGD) all suggest that this variant is likely to be disruptive. This variant has not been reported in the literature in individuals affected with SCLT1-related conditions. This variant is not present in population databases (gnomAD no frequency). This sequence change replaces glutamine, which is neutral and polar, with proline, which is neutral and non-polar, at codon 279 of the SCLT1 protein (p.Gln279Pro).